The following is an entry in ClinVar:

ClinVar aggregate classification (germline): Uncertain significance (1 of 4 stars; one submission).

Conditions:
Inborn genetic diseases. Identifiers: MedGen C0950123, MeSH D030342.

gnomAD v4.1: 1 of 1,612,598 alleles (0.000062%); highest among the groups gnomAD compares: East Asian, 0.0022%; no homozygotes.

Submission:

Ambry Genetics
Classification: Uncertain significance for Inborn genetic diseases. Last evaluated: 2025-06-09. Review status: criteria provided, single submitter. Criteria: Ambry Variant Classification Scheme 2023. Collection method: clinical testing. Allele origin: germline.
Comment: The p.K1094T variant (also known as c.3281A>C), located in coding exon 31 of the RTEL1 gene, results from an A to C substitution at nucleotide position 3281. The lysine at codon 1094 is replaced by threonine, an amino acid with similar properties. This amino acid position is conserved. In addition, the in silico prediction for this alteration is inconclusive. Based on the available evidence, the clinical significance of this variant remains unclear.

NM_001283009.2(RTEL1):c.3281A>C (p.Lys1094Thr)

Genes: RTEL1 (regulator of telomere elongation helicase 1; plus strand), RTEL1-TNFRSF6B (RTEL1-TNFRSF6B readthrough (NMD candidate); plus strand). Cytogenetic location: 20q13.33.
Variant type: single nucleotide variant.
Coding change: c.3281A>C on transcript NM_001283009.2 (MANE Select); coding-DNA position 3281, A replaced by C.
Protein change: p.Lys1094Thr; replaces lysine 1094 with threonine.
Molecular consequence: missense variant. On other transcripts: non-coding transcript variant (1).
Genome position (GRCh38, 1-based): chr20:63,694,912, A>C. VCF-style: chr20-63694912-A-C. GRCh37 (hg19) VCF-style: chr20-62326265-A-C.
Other names: c.2612A>C, p.Lys871Thr (NM_001283010.1); c.3281A>C, p.Lys1094Thr (NM_016434.4); c.3353A>C, p.Lys1118Thr (NM_032957.5); short protein forms K1118T, K1094T, K871T.
Identifiers: ClinVar variation 3948480 (VCV003948480.1).
Genomic context (GRCh38, chr20:63,694,912, plus strand): 5'-CGGGCTGTAGCCAACTCTTGGCAGCGCTGACAGCCTATAAGCAAGACGACGACCTCGACA[A>C]GGTGCTGGCTGTGTTGGCCGCCCTGACCACTGCAAAGCCAGAGGACTTCCCCCTGCTGCA-3'
Protein context (NP_001269938.1, residues 1084-1104): TAYKQDDDLD[Lys1094Thr]VLAVLAALTT